The following is an entry in ClinVar:

ClinVar aggregate classification (germline): Likely pathogenic (1 of 4 stars; one submission).

Conditions:
Hemochromatosis type 2B (HFE2B). Also called: HAMP-Related Juvenile Hemochromatosis; Juvenile-Onset Hemochromatosis. Identifiers: Orphanet 79230, MedGen C1865616, MONDO:0013220, OMIM 613313.

Submission:

Cell Therapy Center, University of Jordan
Classification: Likely pathogenic for Hemochromatosis type 2B. Last evaluated: 2025-01-01. Review status: criteria provided, single submitter. Criteria: ACMG Guidelines, 2015. Collection method: clinical testing. Allele origin: germline. Inheritance: Autosomal recessive inheritance. Affected: yes. Observed: 5 variant alleles, 5 homozygotes. Clinical features observed: Young adult onset (HP:0011462), Cardiomyopathy (HP:0001638), Hyperpigmentation of the skin (HP:0000953).
Comment: The His62Arg variant in the HAMP gene has been reported in 5 Jordanian patients with autosomal recessive Hemochromatosis type 2B , segregated with 10 family members and relatives. This variant was absent from ClinVar and ENSEMBL. It was not cited in any publication before till our knowledge. Additionally, In silico analyses yielded mixed predictions regarding pathogenicity. According to Mutation Taster (polymorphism ) with potential effects on protein features. In contrast, PolyPhen-2 score is 0.992, suggesting the variant is possibly damaging. SIFT prediction is deleterious with a score of 0.03, indicating that the histidine-to-arginine substitution is likely to impair protein function. The impact on mRNA structure according RNAfold led to a stem-loop formation, likely due to increased GC content. Additionally, an increase in centroid structure energy was observed in the mutant transcript, suggesting a modest reduction in structural stability, which could potentially affect mRNA folding and function. The classification according ACMG is applied on PM2 since it is absent from controls in Sequencing Project the genomAD. PP4 , since the phenotype is highly specific for the disease. PP3 according the in silico computational data. PS4, since it appeared as homozygous in patients and absent from controls. PP1, since the HAMP gene is known to cause the disease and it is Co-segregated in multiple affected family members. This might meet the mutation is pathogenic. But since the functional test is absent ,therefore, this variant has been classified as Likely Pathogenic.

NM_021175.4(HAMP):c.185A>G (p.His62Arg)

Gene: HAMP (hepcidin antimicrobial peptide; plus strand). Cytogenetic location: 19q13.12.
Variant type: single nucleotide variant.
Coding change: c.185A>G on transcript NM_021175.4 (MANE Select); coding-DNA position 185, A replaced by G.
Protein change: p.His62Arg; replaces histidine 62 with arginine.
Molecular consequence: missense variant.
Genome position (GRCh38, 1-based): chr19:35,284,972, A>G. VCF-style: chr19-35284972-A-G. GRCh37 (hg19) VCF-style: chr19-35775875-A-G.
Other names: p.His62Arg; short protein forms H62R.
Identifiers: ClinVar variation 4075845 (VCV004075845.1).